The following is an entry in ClinVar:

ClinVar aggregate classification (germline): Uncertain significance. Review status: criteria provided, multiple submitters, no conflicts (2 of 4 stars). 2 submissions from 2 submitters: Uncertain significance (2). Last evaluated 2024-12-30.

Conditions:
Familial thoracic aortic aneurysm and aortic dissection (TAAD). Also called: Thoracic aortic aneurysms and dissections. Identifiers: Orphanet 91387, MedGen C4707243, MONDO:0019625.

gnomAD v4.1: 5 of 1,612,594 alleles (0.00031%); highest among the groups gnomAD compares: Middle Eastern, 0.016%; no homozygotes.

Submissions (2):

GeneDx
Classification: Uncertain significance. Last evaluated: 2024-12-30. Review status: criteria provided, single submitter. Criteria: GeneDx Variant Classification Process June 2021. Collection method: clinical testing. Allele origin: germline. Affected: yes.
Comment: Has not been previously published as pathogenic or benign to our knowledge; Not observed at significant frequency in large population cohorts (gnomAD); Although located in a calcium-binding EGF-like domain of the FBN2 gene, it does not substitute or introduce a cysteine residue (PMID: 19006240, 18767143); In silico analysis indicates that this missense variant does not alter protein structure/function; This variant is associated with the following publications: (PMID: 19006240, 18767143)

Ambry Genetics
Classification: Uncertain significance for Familial thoracic aortic aneurysm and aortic dissection. Last evaluated: 2024-10-05. Review status: criteria provided, single submitter. Criteria: Ambry Variant Classification Scheme 2023. Collection method: clinical testing. Allele origin: germline.
Comment: The p.V1902I variant (also known as c.5704G>A), located in coding exon 45 of the FBN2 gene, results from a G to A substitution at nucleotide position 5704. The valine at codon 1902 is replaced by isoleucine, an amino acid with highly similar properties. This amino acid position is well conserved in available vertebrate species. In addition, the in silico prediction for this alteration is inconclusive. Based on the available evidence, the clinical significance of this variant remains unclear.

NM_001999.4(FBN2):c.5704G>A (p.Val1902Ile)

Gene: FBN2 (fibrillin 2; minus strand). Cytogenetic location: 5q23.3.
Variant type: single nucleotide variant.
Coding change: c.5704G>A on transcript NM_001999.4 (MANE Select); coding-DNA position 5704, G replaced by A.
Protein change: p.Val1902Ile; replaces valine 1902 with isoleucine.
Molecular consequence: missense variant.
Genome position (GRCh38, 1-based): chr5:128,305,053, C>T on the plus strand (G>A on the coding strand, the complement: FBN2 is on the minus strand). VCF-style: chr5-128305053-C-T. GRCh37 (hg19) VCF-style: chr5-127640745-C-T.
Other names: short protein forms V1902I.
Identifiers: ClinVar variation 3513602 (VCV003513602.2).
Genomic context (GRCh38, chr5:128,305,053, plus strand): 5'-CATTGTGGCAGATGCACTGGTAACTTCCTTGCAGATCAACACACAAGCCATGACTGCAAA[C>T]GTTAGGAATTTCTAAACATTCATTGCGATCTAAAACAGAAAAAAATAAATGTTACATGTA-3'
Protein context (NP_001990.2, residues 1892-1912): DRNECLEIPN[Val1902Ile]CSHGLCVDLQ